The following is an entry in ClinVar:

NM_001273.5(CHD4):c.1053_1055del (p.Lys354del)

Gene: CHD4 (chromodomain helicase DNA binding protein 4; minus strand). Cytogenetic location: 12p13.31.
Variant type: Deletion.
Coding change: c.1053_1055del on transcript NM_001273.5 (MANE Select); coding-DNA positions 1053 to 1055, 3 bases deleted (GAA; older notation c.1053_1055delGAA).
Protein change: p.Lys354del; deletes lysine 354.
Molecular consequence: inframe deletion.
Genome position (GRCh38, 1-based): chr12:6,600,542-6,600,544, TTC deleted on the plus strand (GAA on the coding strand, the reverse complement: CHD4 is on the minus strand); deleting any 3 consecutive bases within chr12:6,600,542-6,600,546 gives the same sequence; the c. name uses the placement nearest the transcript's 3' end. VCF-style (leftmost placement, unchanged base first): chr12-6600541-TTTC-T. GRCh37 (hg19) VCF-style: chr12-6709707-TTTC-T.
Other names: c.1032_1034del, p.Lys347del (NM_001297553.2); c.1053_1055del, p.Lys354del (NM_001363606.2); short protein forms K347del, K354del.
Identifiers: ClinVar variation 1310632 (VCV001310632.26), dbSNP rs2136223748, ClinGen allele CA2573053755.

ClinVar aggregate classification (germline): Uncertain significance. Review status: criteria provided, multiple submitters, no conflicts (2 of 4 stars). 2 submissions from 2 submitters: Uncertain significance (2). Last evaluated 2023-02-01.

Submissions (2):

CeGaT Center for Human Genetics Tuebingen
Classification: Uncertain significance. Last evaluated: 2023-02-01. Review status: criteria provided, single submitter. Criteria: CeGaT Center For Human Genetics Tuebingen Variant Classification Criteria Version 2. Collection method: clinical testing. Allele origin: germline. Affected: yes. Observed: 1 variant allele.
Comment: CHD4: PM2

GeneDx
Classification: Uncertain significance. Last evaluated: 2019-12-02. Review status: criteria provided, single submitter. Criteria: GeneDx Variant Classification Process June 2021. Collection method: clinical testing. Allele origin: germline. Affected: yes.
Comment: Not observed in large population cohorts (Lek et al., 2016); In-frame deletion of 1amino acid in a non-repeat region; In silico analysis, which includes protein predictors and evolutionary conservation, supports a deleterious effect; Has not been previously published as pathogenic or benign to our knowledge